The following is an entry in ClinVar:

NM_000036.3(AMPD1):c.1570T>A (p.Ser524Thr)

Gene: AMPD1 (adenosine monophosphate deaminase 1; minus strand). Cytogenetic location: 1p13.2.
Variant type: single nucleotide variant.
Coding change: c.1570T>A on transcript NM_000036.3 (MANE Select); coding-DNA position 1570, T replaced by A.
Protein change: p.Ser524Thr; replaces serine 524 with threonine.
Molecular consequence: missense variant.
Genome position (GRCh38, 1-based): chr1:114,675,639, A>T on the plus strand (T>A on the coding strand, the complement: AMPD1 is on the minus strand). VCF-style: chr1-114675639-A-T. GRCh37 (hg19) VCF-style: chr1-115218260-A-T.
Other names: c.1558T>A, p.Ser520Thr (NM_001172626.2); short protein forms S557T, S520T, S524T.
Identifiers: ClinVar variation 291929 (VCV000291929.17), dbSNP rs140181682, ClinGen allele CA1020072.

ClinVar aggregate classification (germline): Conflicting classifications of pathogenicity. Review status: criteria provided, conflicting classifications (1 of 4 stars). 3 submissions from 3 submitters: Uncertain significance (1); Benign (1). 1 of the submissions does not count toward it. Last evaluated 2026-01-20.

Conditions:
Muscle AMP deaminase deficiency (MMDD). Also called: ADENOSINE MONOPHOSPHATE DEAMINASE-1 DEFICIENCY, MYOPATHY DUE TO; Myoadenylate deaminase deficiency, myopathy due to; Adenosine monophosphate deaminase 1 deficiency; AMP deaminase 1 deficiency; Adenosine Monophosphate Deaminase 1; AMPD1 DEFICIENCY. Identifiers: Orphanet 45, MedGen C3714933, MONDO:0014220, OMIM 615511.
AMPD1-related disorder. Also called: AMPD1-related condition.

Allele frequency attached by ClinVar (database versions not stated): 1000 Genomes Project 30x 0.00016; 1000 Genomes Project 0.00020; gnomAD 0.00051 and 0.00053; gnomAD exomes 0.00053 and 0.00074; ESP Exome Variant Server 0.00054; TOPMed 0.00055; ExAC 0.00081.
gnomAD v4.1: 871 of 1,614,204 alleles (0.054%); highest among the groups gnomAD compares: Non-Finnish European, 0.046%; no homozygotes.

Submissions (3):

Labcorp Genetics (formerly Invitae), Labcorp
Classification: Benign for Muscle AMP deaminase deficiency. Last evaluated: 2026-01-20. Review status: criteria provided, single submitter. Criteria: Invitae Variant Classification Sherloc (09022015). Collection method: clinical testing. Allele origin: germline.

Eurofins Ntd Llc (ga)
Classification: Uncertain significance. Last evaluated: 2017-01-04. Review status: criteria provided, single submitter. Criteria: EGL Classification Definitions 2015. Collection method: clinical testing. Allele origin: germline. Observed: 1 variant allele, 1 heterozygote.

PreventionGenetics, part of Exact Sciences
Classification: Likely benign for AMPD1-related condition. Last evaluated: 2020-06-29. Review status: no assertion criteria provided. Collection method: clinical testing. Allele origin: germline. Not counted in ClinVar's aggregate classification.
Comment: This variant is classified as likely benign based on ACMG/AMP sequence variant interpretation guidelines (Richards et al. 2015 PMID: 25741868, with internal and published modifications).